The following is an entry in ClinVar:

ClinVar aggregate classification (germline): Likely benign. Review status: criteria provided, multiple submitters, no conflicts (2 of 4 stars). 2 submissions from 2 submitters: Likely benign (2). Last evaluated 2026-03-25.

Conditions:
SEPTIN6-related disorder. Also called: SEPTIN6-related condition.

Allele frequency attached by ClinVar (database versions not stated): ExAC 0.00001; gnomAD exomes 0.00006; gnomAD 0.00009.
gnomAD v4.1: 77 of 1,208,362 alleles (0.0064%); highest among the groups gnomAD compares: Non-Finnish European, 0.0078%; no homozygotes.

Submissions (2):

PreventionGenetics, part of Exact Sciences
Classification: Likely benign for SEPTIN6-related condition. Last evaluated: 2026-03-25. Review status: criteria provided, single submitter. Criteria: ACMG Guidelines, 2015. Collection method: clinical testing. Allele origin: germline.
Comment: This variant is classified as likely benign based on ACMG/AMP sequence variant interpretation guidelines (Richards et al. 2015 PMID: 25741868, with internal and published modifications).

CeGaT Center for Human Genetics Tuebingen
Classification: Likely benign. Last evaluated: 2022-12-01. Review status: criteria provided, single submitter. Criteria: CeGaT Center For Human Genetics Tuebingen Variant Classification Criteria Version 2. Collection method: clinical testing. Allele origin: germline. Affected: yes. Observed: 1 variant allele.
Comment: SEPTIN6: BS2

NM_145799.4(SEPTIN6):c.187T>C (p.Phe63Leu)

Gene: SEPTIN6 (septin 6; minus strand). Cytogenetic location: Xq24.
Variant type: single nucleotide variant.
Coding change: c.187T>C on transcript NM_145799.4 (MANE Select); coding-DNA position 187, T replaced by C.
Protein change: p.Phe63Leu; replaces phenylalanine 63 with leucine.
Molecular consequence: missense variant.
Genome position (GRCh38, 1-based): chrX:119,663,636, A>G on the plus strand (T>C on the coding strand, the complement: SEPTIN6 is on the minus strand). VCF-style: chrX-119663636-A-G. GRCh37 (hg19) VCF-style: chrX-118797599-A-G.
Other names: c.187T>C, p.Phe63Leu (NM_001410710.1, NM_015129.6, NM_145800.4 and 1 more transcripts); c.187T>C (NM_145802.3); short protein forms F63L.
Identifiers: ClinVar variation 2661301 (VCV002661301.25), dbSNP rs749788809, ClinGen allele CA10502866.
Genomic context (GRCh38, chrX:119,663,636, plus strand): 5'-ACTGGAGCTGGACACCCGGCTGTGTGTGGGTGGCTGGCTCCCCTTCGAATTTGGTGTTGA[A>G]CAGGGTGTCCATGAGGGTGGACTTGCCCAAACCTGTCTCTCCTGAAAAGCAAAAGGATAA-3'
Protein context (NP_665798.1, residues 53-73): LGKSTLMDTL[Phe63Leu]NTKFEGEPAT